The following is an entry in ClinVar:

NM_207122.2(EXT2):c.1935+3A>C

Gene: EXT2 (exostosin glycosyltransferase 2; plus strand). Cytogenetic location: 11p11.2.
Variant type: single nucleotide variant.
Coding change: c.1935+3A>C on transcript NM_207122.2 (MANE Select); 3 bases into the intron after coding-DNA position 1935, A replaced by C.
Molecular consequence: intron variant.
Genome position (GRCh38, 1-based): chr11:44,234,246, A>C. VCF-style: chr11-44234246-A-C. GRCh37 (hg19) VCF-style: chr11-44255796-A-C.
Other names: c.1935+3A>C (NM_001389630.1, NM_001389628.1); c.1965+3A>C (NM_001178083.3); c.2034+3A>C (NM_000401.3).
Identifiers: ClinVar variation 2108183 (VCV002108183.4), dbSNP rs1345821503, ClinGen allele CA676740021.

ClinVar aggregate classification (germline): Uncertain significance (1 of 4 stars; one submission).

Conditions:
Exostoses, multiple, type 2 (EXT2). Also called: Hereditary Multiple Osteochondromatosis, Type II; EXOSTOSES, MULTIPLE, TYPE II. Identifiers: Orphanet 321, MedGen C1851413, MONDO:0007586, OMIM 133701.

Allele frequency attached by ClinVar (database versions not stated): TOPMed below 0.00001; gnomAD exomes 0.00001; 1000 Genomes Project 30x 0.00016.
gnomAD v4.1: 9 of 1,613,794 alleles (0.00056%); highest among the groups gnomAD compares: Admixed American, 0.0033%; no homozygotes.

Submission:

Labcorp Genetics (formerly Invitae), Labcorp
Classification: Uncertain significance for Exostoses, multiple, type 2. Last evaluated: 2025-07-21. Review status: criteria provided, single submitter. Criteria: Invitae Variant Classification Sherloc (09022015). Collection method: clinical testing. Allele origin: germline.
Comment: This sequence change falls in intron 12 of the EXT2 gene. It does not directly change the encoded amino acid sequence of the EXT2 protein. It affects a nucleotide within the consensus splice site. This variant is not present in population databases (gnomAD no frequency). This variant has not been reported in the literature in individuals affected with EXT2-related conditions. ClinVar contains an entry for this variant (Variation ID: 2108183). Variants that disrupt the consensus splice site are a relatively common cause of aberrant splicing (PMID: 17576681, 9536098). Algorithms developed to predict the effect of sequence changes on RNA splicing suggest that this variant is not likely to affect RNA splicing. In summary, the available evidence is currently insufficient to determine the role of this variant in disease. Therefore, it has been classified as a Variant of Uncertain Significance.

Literature cited by the submitters: PubMed 17576681; PubMed 9536098.